The following is an entry in ClinVar:

ClinVar aggregate classification (germline): Likely benign. Review status: criteria provided, multiple submitters, no conflicts (2 of 4 stars). 3 submissions from 3 submitters: Likely benign (3). Last evaluated 2026-02-16.

Conditions:
Brugada syndrome. Also called: Sudden unexplained nocturnal death syndrome; Sudden Unexplained Death Syndrome; Sudden Unexplained Nocturnal Death Syndrome (SUNDS); Sudden unexpected nocturnal death syndrome. Identifiers: Orphanet 130, MedGen C1142166, MONDO:0015263.
SCN10A-related disorder. Also called: SCN10A-related condition.
Cardiovascular phenotype. Identifiers: MedGen CN230736.

Allele frequency attached by ClinVar (database versions not stated): ExAC 0.00001; gnomAD exomes 0.00001 and 0.00002; gnomAD 0.00003.
gnomAD v4.1: 15 of 1,614,056 alleles (0.00093%); highest among the groups gnomAD compares: East Asian, 0.0022%; no homozygotes.

Submissions (3):

PreventionGenetics, part of Exact Sciences
Classification: Likely benign for SCN10A-related condition. Last evaluated: 2026-02-16. Review status: criteria provided, single submitter. Criteria: ACMG Guidelines, 2015. Collection method: clinical testing. Allele origin: germline.
Comment: This variant is classified as likely benign based on ACMG/AMP sequence variant interpretation guidelines (Richards et al. 2015 PMID: 25741868, with internal and published modifications).

Labcorp Genetics (formerly Invitae), Labcorp
Classification: Likely benign for Brugada syndrome. Last evaluated: 2025-02-20. Review status: criteria provided, single submitter. Criteria: Invitae Variant Classification Sherloc (09022015). Collection method: clinical testing. Allele origin: germline.

Ambry Genetics
Classification: Likely benign for Cardiovascular phenotype. Last evaluated: 2022-10-17. Review status: criteria provided, single submitter. Criteria: Ambry Variant Classification Scheme 2023. Collection method: clinical testing. Allele origin: germline.

NM_006514.4(SCN10A):c.3597C>T (p.Phe1199=)

Gene: SCN10A (sodium voltage-gated channel alpha subunit 10; minus strand). Cytogenetic location: 3p22.2.
Variant type: single nucleotide variant.
Coding change: c.3597C>T on transcript NM_006514.4 (MANE Select); coding-DNA position 3597, C replaced by T.
Protein change: p.Phe1199=; no amino-acid change (phenylalanine 1199 retained).
Molecular consequence: synonymous variant.
Genome position (GRCh38, 1-based): chr3:38,718,737, G>A on the plus strand (C>T on the coding strand, the complement: SCN10A is on the minus strand). VCF-style: chr3-38718737-G-A. GRCh37 (hg19) VCF-style: chr3-38760228-G-A.
Other names: c.3594C>T, p.Phe1198= (NM_001293306.2); c.3303C>T, p.Phe1101= (NM_001293307.2); c.3597C>T (NM_006514.3).
Identifiers: ClinVar variation 1624807 (VCV001624807.11), dbSNP rs758184076, ClinGen allele CA2320183.